The following is an entry in ClinVar:

NM_032043.3(BRIP1):c.1287T>C (p.Asn429=)

Gene: BRIP1 (BRCA1 interacting DNA helicase 1; minus strand). Cytogenetic location: 17q23.2.
Variant type: single nucleotide variant.
Coding change: c.1287T>C on transcript NM_032043.3 (MANE Select); coding-DNA position 1287, T replaced by C.
Protein change: p.Asn429=; no amino-acid change (asparagine 429 retained).
Molecular consequence: synonymous variant.
Genome position (GRCh38, 1-based): chr17:61,799,153, A>G on the plus strand (T>C on the coding strand, the complement: BRIP1 is on the minus strand). VCF-style: chr17-61799153-A-G. GRCh37 (hg19) VCF-style: chr17-59876514-A-G.
Identifiers: ClinVar variation 215946 (VCV000215946.21), dbSNP rs863224431, ClinGen allele CA336691.
Genomic context (GRCh38, chr17:61,799,153, plus strand): 5'-TTCTTACTTAATGAGGCTACAGCACACAGCTCGTAGGGGTTCATGATCTTTCTTCCTTAT[A>G]TTATTGTTGACCATACTATCTAGTTCATCCCGAGCAAACCGAAGCTGAACTTCTGTTACA-3'
Protein context (NP_114432.2, residues 419-439): RDELDSMVNN[Asn429=]IRKKDHEPLR

ClinVar aggregate classification (germline): Benign/Likely benign. Review status: criteria provided, multiple submitters, no conflicts (2 of 4 stars). 5 submissions from 5 submitters: Benign (1); Likely benign (4). Last evaluated 2026-01-16.

Conditions:
Hereditary cancer-predisposing syndrome. Also called: Tumor predisposition; Hereditary Cancer Syndrome; Neoplastic Syndromes, Hereditary; Hereditary neoplastic syndrome. Identifiers: Orphanet 140162, MedGen C0027672, MeSH D009386, MONDO:0015356.
Familial cancer of breast. Also called: Hereditary breast cancer; BREAST CANCER, FAMILIAL; hereditary breast carcinoma. Identifiers: Orphanet 227535, MedGen C0346153, MONDO:0016419, OMIM 114480. Disease mechanism: loss of function.
Fanconi anemia complementation group J. Also called: BRIP1-Related Fanconi Anemia. Identifiers: Orphanet 84, MedGen C1836860, MONDO:0012187, OMIM 609054.

Allele frequency attached by ClinVar (database versions not stated): gnomAD exomes 0.00001; TOPMed 0.00001.
gnomAD v4.1: 7 of 1,613,678 alleles (0.00043%); highest among the groups gnomAD compares: Non-Finnish European, 0.00059%; no homozygotes.

Submissions (5):

Labcorp Genetics (formerly Invitae), Labcorp
Classification: Likely benign for Familial cancer of breast; Fanconi anemia complementation group J. Last evaluated: 2026-01-16. Review status: criteria provided, single submitter. Criteria: Invitae Variant Classification Sherloc (09022015). Collection method: clinical testing. Allele origin: germline.

Myriad Genetics, Inc.
Classification: Benign for Familial cancer of breast. Last evaluated: 2024-08-27. Review status: criteria provided, single submitter. Criteria: Myriad Autosomal Dominant, Autosomal Recessive and X-Linked Classification Criteria (2023). Collection method: clinical testing. Allele origin: unknown.
Comment: This variant is considered benign. This variant is a silent/synonymous amino acid change and it is not expected to impact splicing.

GeneDx
Classification: Likely benign. Last evaluated: 2018-07-10. Review status: criteria provided, single submitter. Criteria: GeneDx Variant Classification Process June 2021. Collection method: clinical testing. Allele origin: germline. Affected: yes.

Color Diagnostics, LLC DBA Color Health
Classification: Likely benign for Hereditary cancer-predisposing syndrome. Last evaluated: 2017-04-20. Review status: criteria provided, single submitter. Criteria: ACMG Guidelines, 2015. Collection method: clinical testing. Allele origin: germline.

Ambry Genetics
Classification: Likely benign for Hereditary cancer-predisposing syndrome. Last evaluated: 2016-04-26. Review status: criteria provided, single submitter. Criteria: Ambry Variant Classification Scheme 2023. Collection method: clinical testing. Allele origin: germline.